The following is an entry in ClinVar:

ClinVar aggregate classification (germline): Uncertain significance (1 of 4 stars; one submission).

Submission:

Ambry Genetics
Classification: Uncertain significance. Last evaluated: 2024-10-04. Review status: criteria provided, single submitter. Criteria: Ambry Variant Classification Scheme 2023. Collection method: clinical testing. Allele origin: germline.
Comment: The p.K623R variant (also known as c.1868A>G), located in coding exon 2 of the CDK12 gene, results from an A to G substitution at nucleotide position 1868. The lysine at codon 623 is replaced by arginine, an amino acid with highly similar properties. This amino acid position is conserved. In addition, the in silico prediction for this alteration is inconclusive. Based on the available evidence, the clinical significance of this variant remains unclear.

NM_016507.4(CDK12):c.1868A>G (p.Lys623Arg)

Gene: CDK12 (cyclin dependent kinase 12; plus strand). Cytogenetic location: 17q12.
Variant type: single nucleotide variant.
Coding change: c.1868A>G on transcript NM_016507.4 (MANE Select); coding-DNA position 1868, A replaced by G.
Protein change: p.Lys623Arg; replaces lysine 623 with arginine.
Molecular consequence: missense variant.
Genome position (GRCh38, 1-based): chr17:39,471,700, A>G. VCF-style: chr17-39471700-A-G. GRCh37 (hg19) VCF-style: chr17-37627953-A-G.
Other names: c.1868A>G, p.Lys623Arg (NM_015083.4); short protein forms K623R.
Identifiers: ClinVar variation 3489167 (VCV003489167.1).
Genomic context (GRCh38, chr17:39,471,700, plus strand): 5'-CCCCTGTACAGGTTTCTGTGAAGACTCAAGTATCTGTAACAGCTGCTATTCCACACCTGA[A>G]AACTTCAACGTTGCCTCCTTTGCCCCTCCCACCCTTATTACCTGGAGATGATGACATGGA-3'
Protein context (NP_057591.2, residues 613-633): VSVTAAIPHL[Lys623Arg]TSTLPPLPLP